The following is an entry in ClinVar:

NM_005862.3(STAG1):c.403A>G (p.Arg135Gly)

Gene: STAG1 (STAG1 cohesin complex component; minus strand). Cytogenetic location: 3q22.3.
Variant type: single nucleotide variant.
Coding change: c.403A>G on transcript NM_005862.3 (MANE Select); coding-DNA position 403, A replaced by G.
Protein change: p.Arg135Gly; replaces arginine 135 with glycine.
Molecular consequence: missense variant.
Genome position (GRCh38, 1-based): chr3:136,542,187, T>C on the plus strand (A>G on the coding strand, the complement: STAG1 is on the minus strand). VCF-style: chr3-136542187-T-C. GRCh37 (hg19) VCF-style: chr3-136261029-T-C.
Other names: short protein forms R135G.
Identifiers: ClinVar variation 3376400 (VCV003376400.1).

ClinVar aggregate classification (germline): Uncertain significance (1 of 4 stars; one submission).

Conditions:
Intellectual developmental disorder, autosomal dominant 47. Also called: MENTAL RETARDATION, AUTOSOMAL DOMINANT 47; Intellectual disability, autosomal dominant 47. Identifiers: Orphanet 502434, MedGen C4539951, MONDO:0030912, OMIM 617635.

Submission:

Pittsburgh Clinical Genomics Laboratory, University of Pittsburgh Medical Center
Classification: Uncertain significance for Intellectual developmental disorder, autosomal dominant 47. Last evaluated: 2023-10-26. Review status: criteria provided, single submitter. Criteria: ACMG Guidelines, 2015. Collection method: clinical testing. Allele origin: germline. Inheritance: Autosomal dominant inheritance. Affected: yes.
Comment: This sequence variant is a single nucleotide substitution (A>G) at position 403 of the coding sequence of the STAG1 gene that results in an arginine to glycine amino acid change at residue 135 of the STAG1 cohesin complex component protein. This variant is absent from ClinVar and the gnomAD population database (0 of approximately 152,000 alleles). To our knowledge, this variant has not been observed in an individual affected by a STAG1-related disorder in the published literature. Multiple bioinformatic tools predict that this Arg to Gly amino acid change would be damaging, and the Arg135 residue at this position is highly conserved across the vertebrate species examined. Studies examining the functional consequence of this variant have not been published, to our knowledge. At this time, there is insufficient evidence to determine if this variant is pathogenic or benign. Therefore, we consider this a variant of uncertain significance. ACMG Criteria: PM2, PP3